The following is an entry in ClinVar:

ClinVar aggregate classification (germline): Uncertain significance (1 of 4 stars; one submission).

Submission:

GeneDx
Classification: Uncertain significance. Last evaluated: 2024-03-25. Review status: criteria provided, single submitter. Criteria: GeneDx Variant Classification Process June 2021. Collection method: clinical testing. Allele origin: germline. Affected: yes.
Comment: Not observed at significant frequency in large population cohorts (gnomAD); In silico analysis supports that this missense variant has a deleterious effect on protein structure/function; Has not been previously published as pathogenic or benign to our knowledge

NM_001394062.1(MACF1):c.1828G>T (p.Val610Leu)

Gene: MACF1 (microtubule actin crosslinking factor 1; plus strand). Cytogenetic location: 1p34.3.
Variant type: single nucleotide variant.
Coding change: c.1828G>T on transcript NM_001394062.1 (MANE Select); coding-DNA position 1828, G replaced by T.
Protein change: p.Val610Leu; replaces valine 610 with leucine.
Molecular consequence: missense variant.
Genome position (GRCh38, 1-based): chr1:39,291,952, G>T. VCF-style: chr1-39291952-G-T. GRCh37 (hg19) VCF-style: chr1-39757624-G-T.
Other names: c.1843G>T, p.Val615Leu (NM_012090.5); short protein forms V610L, V615L.
Identifiers: ClinVar variation 3371234 (VCV003371234.1).